The following is an entry in ClinVar:

NM_138281.3(DLX4):c.435C>T (p.Pro145=)

Gene: DLX4 (distal-less homeobox 4; plus strand). Cytogenetic location: 17q21.33.
Variant type: single nucleotide variant.
Coding change: c.435C>T on transcript NM_138281.3 (MANE Select); coding-DNA position 435, C replaced by T.
Protein change: p.Pro145=; no amino-acid change (proline 145 retained).
Molecular consequence: synonymous variant.
Genome position (GRCh38, 1-based): chr17:49,973,224, C>T. VCF-style: chr17-49973224-C-T. GRCh37 (hg19) VCF-style: chr17-48050588-C-T.
Other names: c.219C>T, p.Pro73= (NM_001934.4).
Identifiers: ClinVar variation 3054114 (VCV003054114.3), dbSNP rs769369952, ClinGen allele CA8640816.

ClinVar aggregate classification (germline): Likely benign. Review status: criteria provided, single submitter (1 of 4 stars). 2 submissions from 2 submitters: Likely benign (1). 1 of the submissions does not count toward it. Last evaluated 2026-09-01.

Conditions:
DLX4-related disorder. Also called: DLX4-related condition.

Allele frequency attached by ClinVar (database versions not stated): ExAC 0.00007.
gnomAD v4.1: 171 of 1,614,012 alleles (0.011%); highest among the groups gnomAD compares: Non-Finnish European, 0.014%; no homozygotes.

Submissions (2):

CeGaT Center for Human Genetics Tuebingen
Classification: Likely benign. Last evaluated: 2026-09-01. Review status: criteria provided, single submitter. Criteria: CeGaT Center For Human Genetics Tuebingen Variant Classification Criteria Version 2. Collection method: clinical testing. Allele origin: germline. Affected: yes. Observed: 1 variant allele.
Comment: DLX4: BP4, BP7

PreventionGenetics, part of Exact Sciences
Classification: Likely benign for DLX4-related condition. Last evaluated: 2021-04-07. Review status: no assertion criteria provided. Collection method: clinical testing. Allele origin: germline. Not counted in ClinVar's aggregate classification.
Comment: This variant is classified as likely benign based on ACMG/AMP sequence variant interpretation guidelines (Richards et al. 2015 PMID: 25741868, with internal and published modifications).